The following is an entry in ClinVar:

NM_001330288.2(SMARCC2):c.2875C>G (p.Leu959Val)

Gene: SMARCC2 (SWI/SNF related BAF chromatin remodeling complex subunit C2; minus strand). Cytogenetic location: 12q13.2.
Variant type: single nucleotide variant.
Coding change: c.2875C>G on transcript NM_001330288.2 (MANE Select); coding-DNA position 2875, C replaced by G.
Protein change: p.Leu959Val; replaces leucine 959 with valine.
Molecular consequence: missense variant.
Genome position (GRCh38, 1-based): chr12:56,165,675, G>C on the plus strand (C>G on the coding strand, the complement: SMARCC2 is on the minus strand). VCF-style: chr12-56165675-G-C. GRCh37 (hg19) VCF-style: chr12-56559459-G-C.
Other names: c.2875C>G, p.Leu959Val (NM_001130420.3, NM_139067.4); c.2782C>G, p.Leu928Val (NM_003075.5); short protein forms L928V, L959V.
Identifiers: ClinVar variation 4072747 (VCV004072747.1).

ClinVar aggregate classification (germline): Uncertain significance (1 of 4 stars; one submission).

Submission:

GeneDx
Classification: Uncertain significance. Last evaluated: 2025-01-31. Review status: criteria provided, single submitter. Criteria: GeneDx Variant Classification Process June 2021. Collection method: clinical testing. Allele origin: germline. Affected: yes.
Comment: Not observed at significant frequency in large population cohorts (gnomAD); In silico analysis indicates that this missense variant does not alter protein structure/function; Has not been previously published as pathogenic or benign to our knowledge